The following is an entry in ClinVar:

NM_001267550.2(TTN):c.57017A>G (p.Asp19006Gly)

Genes: TTN (titin; minus strand), TTN-AS1 (TTN antisense RNA 1; plus strand). Cytogenetic location: 2q31.2.
Variant type: single nucleotide variant.
Coding change: c.57017A>G on transcript NM_001267550.2 (MANE Select); coding-DNA position 57017, A replaced by G.
Protein change: p.Asp19006Gly; replaces aspartic acid 19006 with glycine.
Molecular consequence: missense variant. On other transcripts: non-coding transcript variant (1).
Genome position (GRCh38, 1-based): chr2:178,598,600, T>C on the plus strand (A>G on the coding strand, the complement: TTN is on the minus strand). VCF-style: chr2-178598600-T-C. GRCh37 (hg19) VCF-style: chr2-179463327-T-C.
Other names: c.49313A>G, p.Asp16438Gly (NM_133378.4); c.52094A>G, p.Asp17365Gly (NM_001256850.1); c.29822A>G, p.Asp9941Gly (NM_003319.4); c.30197A>G, p.Asp10066Gly (NM_133432.3); c.30398A>G, p.Asp10133Gly (NM_133437.4); short protein forms D16438G, D19006G, D10133G, D9941G, D10066G, D17365G.
Identifiers: ClinVar variation 229468 (VCV000229468.5), dbSNP rs747343924, ClinGen allele CA1993126.

ClinVar aggregate classification (germline): Uncertain significance (1 of 4 stars; one submission).

gnomAD v4.1: 11 of 1,608,624 alleles (0.00068%); highest among the groups gnomAD compares: African/African-American, 0.0013%; no homozygotes.

Submission:

Laboratory for Molecular Medicine, Mass General Brigham Personalized Medicine
Classification: Uncertain significance. Last evaluated: 2015-03-20. Review status: criteria provided, single submitter. Criteria: LMM Criteria. Collection method: clinical testing. Allele origin: germline. Observed: 1 variant allele.
Comment: The p.Asp16438Gly variant in TTN has not been previously reported in individuals with cardiomyopathy, but has been identified in 2/66150 European chromosomes by the Exome Aggregation Consortium (ExAC). Comput ational prediction tools and conservation analysis suggest that this variant may impact the protein, though this information is not predictive enough to determi ne pathogenicity. In summary, the clinical significance of the p.Asp16438Gly var iant is uncertain.